The following is an entry in ClinVar:

NM_178822.5(IGSF10):c.6692T>G (p.Val2231Gly)

Gene: IGSF10 (immunoglobulin superfamily member 10; minus strand). Cytogenetic location: 3q25.1.
Variant type: single nucleotide variant.
Coding change: c.6692T>G on transcript NM_178822.5 (MANE Select); coding-DNA position 6692, T replaced by G.
Protein change: p.Val2231Gly; replaces valine 2231 with glycine.
Molecular consequence: missense variant.
Genome position (GRCh38, 1-based): chr3:151,437,869, A>C on the plus strand (T>G on the coding strand, the complement: IGSF10 is on the minus strand). VCF-style: chr3-151437869-A-C. GRCh37 (hg19) VCF-style: chr3-151155657-A-C.
Other names: c.629T>G, p.Val210Gly (NM_001178145.3, NM_001178146.3); c.6692T>G, p.Val2231Gly (NM_001385060.1, NM_001385061.1, NM_001385062.1 and 1 more transcripts); short protein forms V210G, V2231G.
Identifiers: ClinVar variation 2794345 (VCV002794345.3), dbSNP rs2474441198, ClinGen allele CA354990828.

ClinVar aggregate classification (germline): Uncertain significance (1 of 4 stars; one submission).

Submission:

Labcorp Genetics (formerly Invitae), Labcorp
Classification: Uncertain significance. Last evaluated: 2023-11-22. Review status: criteria provided, single submitter. Criteria: Invitae Variant Classification Sherloc (09022015). Collection method: clinical testing. Allele origin: germline.
Comment: This sequence change replaces valine, which is neutral and non-polar, with glycine, which is neutral and non-polar, at codon 2231 of the IGSF10 protein (p.Val2231Gly). This variant is not present in population databases (gnomAD no frequency). This variant has not been reported in the literature in individuals affected with IGSF10-related conditions. An algorithm developed to predict the effect of missense changes on protein structure and function (PolyPhen-2) suggests that this variant is likely to be tolerated. In summary, the available evidence is currently insufficient to determine the role of this variant in disease. Therefore, it has been classified as a Variant of Uncertain Significance.